The following is an entry in ClinVar:

NM_000368.5(TSC1):c.1294C>A (p.Leu432Ile)

Gene: TSC1 (TSC complex subunit 1; minus strand). Cytogenetic location: 9q34.13.
Variant type: single nucleotide variant.
Coding change: c.1294C>A on transcript NM_000368.5 (MANE Select); coding-DNA position 1294, C replaced by A.
Protein change: p.Leu432Ile; replaces leucine 432 with isoleucine.
Molecular consequence: missense variant. On other transcripts: non-coding transcript variant (5).
Genome position (GRCh38, 1-based): chr9:132,907,340, G>T on the plus strand (C>A on the coding strand, the complement: TSC1 is on the minus strand). VCF-style: chr9-132907340-G-T. GRCh37 (hg19) VCF-style: chr9-135782727-G-T.
Other names: c.1291C>A, p.Leu431Ile (NM_001162426.2, NM_001406597.1, NM_001406598.1 and 6 more transcripts); c.1141C>A, p.Leu381Ile (NM_001162427.2, NM_001406610.1); c.931C>A, p.Leu311Ile (NM_001362177.2, NM_001406614.1, NM_001406615.1 and 5 more transcripts); c.1294C>A, p.Leu432Ile (NM_001406592.1, NM_001406593.1, NM_001406594.1 and 7 more transcripts); c.1138C>A, p.Leu380Ile (NM_001406611.1, NM_001406612.1, NM_001406613.1); c.928C>A, p.Leu310Ile (NM_001406620.1, NM_001406621.1, NM_001406622.1 and 2 more transcripts); c.343C>A, p.Leu115Ile (NM_001406626.1); c.340C>A, p.Leu114Ile (NM_001406627.1, NM_001406628.1); and 1 more; short protein forms L114I, L380I, L431I, L115I, L310I, L432I, L81I, L311I.
Identifiers: ClinVar variation 2562874 (VCV002562874.2), dbSNP rs2131881249, ClinGen allele CA375366162.

ClinVar aggregate classification (germline): Uncertain significance (1 of 4 stars; one submission).

Conditions:
Hereditary cancer-predisposing syndrome. Also called: Neoplastic Syndromes, Hereditary; Hereditary Cancer Syndrome; Hereditary neoplastic syndrome; Tumor predisposition. Identifiers: Orphanet 140162, MedGen C0027672, MeSH D009386, MONDO:0015356.

Submission:

Ambry Genetics
Classification: Uncertain significance for Hereditary cancer-predisposing syndrome. Last evaluated: 2023-04-18. Review status: criteria provided, single submitter. Criteria: Ambry Variant Classification Scheme 2023. Collection method: clinical testing. Allele origin: germline.
Comment: The p.L432I variant (also known as c.1294C>A), located in coding exon 11 of the TSC1 gene, results from a C to A substitution at nucleotide position 1294. The leucine at codon 432 is replaced by isoleucine, an amino acid with highly similar properties. This amino acid position is conserved. In addition, this alteration is predicted to be tolerated by in silico analysis. Since supporting evidence is limited at this time, the clinical significance of this alteration remains unclear.